The following is an entry in ClinVar:

ClinVar aggregate classification (germline): Uncertain significance. Review status: criteria provided, multiple submitters, no conflicts (2 of 4 stars). 2 submissions from 2 submitters: Uncertain significance (2). Last evaluated 2025-12-15.

Conditions:
Inborn genetic diseases. Identifiers: MedGen C0950123, MeSH D030342.
BFSP1-related disorder. Also called: BFSP1-related condition.

Allele frequency attached by ClinVar (database versions not stated): TOPMed 0.00008; gnomAD 0.00009; gnomAD exomes 0.00012; ExAC 0.00016; ESP Exome Variant Server 0.00023.
gnomAD v4.1: 192 of 1,613,976 alleles (0.012%); highest among the groups gnomAD compares: Non-Finnish European, 0.015%; no homozygotes.

Submissions (2):

Ambry Genetics
Classification: Uncertain significance for Inborn genetic diseases. Last evaluated: 2025-12-15. Review status: criteria provided, single submitter. Criteria: Ambry Variant Classification Scheme 2023. Collection method: clinical testing. Allele origin: germline.

PreventionGenetics, part of Exact Sciences
Classification: Uncertain significance for BFSP1-related condition. Last evaluated: 2025-10-13. Review status: criteria provided, single submitter. Criteria: ACMG Guidelines, 2015. Collection method: clinical testing. Allele origin: germline.
Comment: The BFSP1 c.394G>A variant is predicted to result in the amino acid substitution p.Glu132Lys. To our knowledge, this variant has not been reported in the literature. This variant is reported in 0.016% of alleles in individuals of European (Non-Finnish) descent in gnomAD. At this time, the clinical significance of this variant is uncertain due to the absence of conclusive functional and genetic evidence.

NM_001195.5(BFSP1):c.394G>A (p.Glu132Lys)

Gene: BFSP1 (beaded filament structural protein 1; minus strand). Cytogenetic location: 20p12.1.
Variant type: single nucleotide variant.
Coding change: c.394G>A on transcript NM_001195.5 (MANE Select); coding-DNA position 394, G replaced by A.
Protein change: p.Glu132Lys; replaces glutamic acid 132 with lysine.
Molecular consequence: missense variant. On other transcripts: 5 prime UTR variant (2).
Genome position (GRCh38, 1-based): chr20:17,524,892, C>T on the plus strand (G>A on the coding strand, the complement: BFSP1 is on the minus strand). VCF-style: chr20-17524892-C-T. GRCh37 (hg19) VCF-style: chr20-17505537-C-T.
Other names: c.394G>A (NM_001195.4); c.19G>A, p.Glu7Lys (NM_001161705.2); c.-24G>A (NM_001278606.2, NM_001278608.2); c.61G>A, p.Glu21Lys (NM_001278607.2); short protein forms E21K, E7K, E132K.
Identifiers: ClinVar variation 2354219 (VCV002354219.4), dbSNP rs200017226, ClinGen allele CA9772360.